The following is an entry in ClinVar:

ClinVar aggregate classification (germline): Likely benign. Review status: criteria provided, multiple submitters, no conflicts (2 of 4 stars). 2 submissions from 2 submitters: Likely benign (2). Last evaluated 2025-03-30.

Conditions:
Lung cancer. Also called: Malignant tumor of lung; Lung cancer, somatic. Identifiers: MedGen C0242379, MONDO:0008903, OMIM 211980.
EGFR-related lung cancer (EGFR). Identifiers: MedGen CN130014.

Allele frequency attached by ClinVar (database versions not stated): gnomAD exomes below 0.00001.
gnomAD v4.1: 4 of 1,614,174 alleles (0.00025%); highest among the groups gnomAD compares: South Asian, 0.0011%; no homozygotes.

Submissions (2):

Labcorp Genetics (formerly Invitae), Labcorp
Classification: Likely benign for EGFR-related lung cancer. Last evaluated: 2025-03-30. Review status: criteria provided, single submitter. Criteria: Invitae Variant Classification Sherloc (09022015). Collection method: clinical testing. Allele origin: germline.

Myriad Genetics, Inc.
Classification: Likely benign for Lung cancer. Last evaluated: 2024-10-16. Review status: criteria provided, single submitter. Criteria: Myriad Autosomal Dominant, Autosomal Recessive and X-Linked Classification Criteria (2023). Collection method: clinical testing. Allele origin: unknown.
Comment: This variant is considered likely benign. This variant is intronic and is not expected to impact mRNA splicing.

NM_005228.5(EGFR):c.2062-8C>T

Gene: EGFR (epidermal growth factor receptor; plus strand). Cytogenetic location: 7p11.2.
Variant type: single nucleotide variant.
Coding change: c.2062-8C>T on transcript NM_005228.5 (MANE Select); 8 bases into the intron before coding-DNA position 2062, C replaced by T.
Molecular consequence: intron variant.
Genome position (GRCh38, 1-based): chr7:55,173,913, C>T. VCF-style: chr7-55173913-C-T. GRCh37 (hg19) VCF-style: chr7-55241606-C-T.
Other names: c.1927-8C>T (NM_001346899.2, NM_001346897.2); c.1261-8C>T (NM_001346941.2); c.2062-8C>T (NM_001346898.2); c.1903-8C>T (NM_001346900.2).
Identifiers: ClinVar variation 1099556 (VCV001099556.10), dbSNP rs2128953479, ClinGen allele CA2499218921.